The following is an entry in ClinVar:

NM_001082971.2(DDC):c.1280T>G (p.Ile427Arg)

Gene: DDC (dopa decarboxylase; minus strand). Cytogenetic location: 7p12.2.
Variant type: single nucleotide variant.
Coding change: c.1280T>G on transcript NM_001082971.2 (MANE Select); coding-DNA position 1280, T replaced by G.
Protein change: p.Ile427Arg; replaces isoleucine 427 with arginine.
Molecular consequence: missense variant.
Genome position (GRCh38, 1-based): chr7:50,463,394, A>C on the plus strand (T>G on the coding strand, the complement: DDC is on the minus strand). VCF-style: chr7-50463394-A-C. GRCh37 (hg19) VCF-style: chr7-50531092-A-C.
Other names: c.1280T>G, p.Ile427Arg (NM_000790.4); c.1166T>G, p.Ile389Arg (NM_001242886.2); c.1136T>G, p.Ile379Arg (NM_001242887.2); c.1046T>G, p.Ile349Arg (NM_001242888.2); c.1001T>G, p.Ile334Arg (NM_001242889.2); short protein forms I389R, I349R, I334R, I379R, I427R.
Identifiers: ClinVar variation 1948976 (VCV001948976.2), dbSNP rs750932088, ClinGen allele CA4261998.

ClinVar aggregate classification (germline): Uncertain significance (1 of 4 stars; one submission).

Conditions:
Deficiency of aromatic-L-amino-acid decarboxylase. Also called: Aromatic L-Amino Acid Decarboxylase Deficiency; Aromatic amino acid decarboxylase deficiency; AADC DEFICIENCY; DDC DEFICIENCY; DOPA DECARBOXYLASE DEFICIENCY. Identifiers: Orphanet 35708, MedGen C1291564, MONDO:0012084, OMIM 608643.

Allele frequency attached by ClinVar (database versions not stated): gnomAD exomes 0.00001; ExAC 0.00002.
gnomAD v4.1: 8 of 1,614,188 alleles (0.0005%); highest among the groups gnomAD compares: Non-Finnish European, 0.00068%; no homozygotes.

Submission:

Labcorp Genetics (formerly Invitae), Labcorp
Classification: Uncertain significance for Deficiency of aromatic-L-amino-acid decarboxylase. Last evaluated: 2022-04-01. Review status: criteria provided, single submitter. Criteria: Invitae Variant Classification Sherloc (09022015). Collection method: clinical testing. Allele origin: germline.
Comment: This sequence change replaces isoleucine, which is neutral and non-polar, with arginine, which is basic and polar, at codon 427 of the DDC protein (p.Ile427Arg). This variant is present in population databases (rs750932088, gnomAD 0.002%). This variant has not been reported in the literature in individuals affected with DDC-related conditions. Algorithms developed to predict the effect of missense changes on protein structure and function (SIFT, PolyPhen-2, Align-GVGD) all suggest that this variant is likely to be disruptive. In summary, the available evidence is currently insufficient to determine the role of this variant in disease. Therefore, it has been classified as a Variant of Uncertain Significance.